The following is an entry in ClinVar:

NM_000061.3(BTK):c.1208C>A (p.Thr403Asn)

Gene: BTK (Bruton tyrosine kinase; minus strand). Cytogenetic location: Xq22.1.
Variant type: single nucleotide variant.
Coding change: c.1208C>A on transcript NM_000061.3 (MANE Select); coding-DNA position 1208, C replaced by A.
Protein change: p.Thr403Asn; replaces threonine 403 with asparagine.
Molecular consequence: missense variant. On other transcripts: intron variant (1).
Genome position (GRCh38, 1-based): chrX:101,356,925, G>T on the plus strand (C>A on the coding strand, the complement: BTK is on the minus strand). VCF-style: chrX-101356925-G-T. GRCh37 (hg19) VCF-style: chrX-100611913-G-T.
Other names: c.1310C>A, p.Thr437Asn (NM_001287344.2); c.1038+1449C>A (NM_001287345.2); short protein forms T403N, T437N.
Identifiers: ClinVar variation 3239459 (VCV003239459.19), dbSNP rs1169941199.

ClinVar aggregate classification (germline): Uncertain significance (1 of 4 stars; one submission).

Submission:

CeGaT Center for Human Genetics Tuebingen
Classification: Uncertain significance. Last evaluated: 2024-05-01. Review status: criteria provided, single submitter. Criteria: CeGaT Center For Human Genetics Tuebingen Variant Classification Criteria Version 2. Collection method: clinical testing. Allele origin: germline. Affected: yes. Observed: 1 variant allele.
Comment: BTK: PM2, PP2, PP3